The following is an entry in ClinVar:

ClinVar aggregate classification (germline): Uncertain significance (1 of 4 stars; one submission).

Allele frequency attached by ClinVar (database versions not stated): gnomAD exomes below 0.00001; gnomAD 0.00001.
gnomAD v4.1: 2 of 1,603,416 alleles (0.00012%); highest among the groups gnomAD compares: Admixed American, 0.0017%; no homozygotes.

Submission:

GeneDx
Classification: Uncertain significance. Last evaluated: 2019-10-25. Review status: criteria provided, single submitter. Criteria: GeneDx Variant Classification Process June 2021. Collection method: clinical testing. Allele origin: germline. Affected: yes.
Comment: Not observed in large population cohorts (Lek et al., 2016); In silico analysis, which includes protein predictors and evolutionary conservation, supports a deleterious effect; Has not been previously published as pathogenic or benign to our knowledge

NM_001127222.2(CACNA1A):c.1551C>G (p.Phe517Leu)

Gene: CACNA1A (calcium voltage-gated channel subunit alpha1 A; minus strand). Cytogenetic location: 19p13.13.
Variant type: single nucleotide variant.
Coding change: c.1551C>G on transcript NM_001127222.2 (MANE Select); coding-DNA position 1551, C replaced by G.
Protein change: p.Phe517Leu; replaces phenylalanine 517 with leucine.
Molecular consequence: missense variant.
Genome position (GRCh38, 1-based): chr19:13,317,116, G>C on the plus strand (C>G on the coding strand, the complement: CACNA1A is on the minus strand). VCF-style: chr19-13317116-G-C. GRCh37 (hg19) VCF-style: chr19-13427930-G-C.
Other names: c.1554C>G, p.Phe518Leu (NM_000068.4, NM_001127221.2, NM_001174080.2 and 1 more transcripts); short protein forms F517L, F518L.
Identifiers: ClinVar variation 1218727 (VCV001218727.3), dbSNP rs2058143598, ClinGen allele CA404345558.